The following is an entry in ClinVar:

NM_005591.4(MRE11):c.311G>A (p.Ser104Asn)

Gene: MRE11 (MRE11 double strand break repair nuclease; minus strand). Cytogenetic location: 11q21.
Variant type: single nucleotide variant.
Coding change: c.311G>A on transcript NM_005591.4 (MANE Select); coding-DNA position 311, G replaced by A.
Protein change: p.Ser104Asn; replaces serine 104 with asparagine.
Molecular consequence: missense variant.
Genome position (GRCh38, 1-based): chr11:94,485,927, C>T on the plus strand (G>A on the coding strand, the complement: MRE11 is on the minus strand). VCF-style: chr11-94485927-C-T. GRCh37 (hg19) VCF-style: chr11-94219093-C-T.
Other names: c.311G>A, p.Ser104Asn (NM_001330347.2, NM_005590.4); short protein forms S104N.
Identifiers: ClinVar variation 2890096 (VCV002890096.3), dbSNP rs587780140, ClinGen allele CA382379351.

ClinVar aggregate classification (germline): Uncertain significance (1 of 4 stars; one submission).

Conditions:
Ataxia-telangiectasia-like disorder (ATLD). Identifiers: MedGen C1858391, MONDO:0011457.

Submission:

Labcorp Genetics (formerly Invitae), Labcorp
Classification: Uncertain significance for Ataxia-telangiectasia-like disorder. Last evaluated: 2024-01-06. Review status: criteria provided, single submitter. Criteria: Invitae Variant Classification Sherloc (09022015). Collection method: clinical testing. Allele origin: germline.
Comment: This sequence change replaces serine, which is neutral and polar, with asparagine, which is neutral and polar, at codon 104 of the MRE11 protein (p.Ser104Asn). This variant is not present in population databases (gnomAD no frequency). This variant has not been reported in the literature in individuals affected with MRE11-related conditions. An algorithm developed to predict the effect of missense changes on protein structure and function (PolyPhen-2) suggests that this variant is likely to be tolerated. In summary, the available evidence is currently insufficient to determine the role of this variant in disease. Therefore, it has been classified as a Variant of Uncertain Significance.